The following is an entry in ClinVar:

ClinVar aggregate classification (germline): Uncertain significance (1 of 4 stars; one submission).

Conditions:
Familial cancer of breast. Also called: BREAST CANCER, FAMILIAL; Hereditary breast cancer; hereditary breast carcinoma. Identifiers: Orphanet 227535, MedGen C0346153, MONDO:0016419, OMIM 114480. Disease mechanism: loss of function.
Fanconi anemia complementation group J. Also called: BRIP1-Related Fanconi Anemia. Identifiers: Orphanet 84, MedGen C1836860, MONDO:0012187, OMIM 609054.

Submission:

Labcorp Genetics (formerly Invitae), Labcorp
Classification: Uncertain significance for Familial cancer of breast; Fanconi anemia complementation group J. Last evaluated: 2021-04-27. Review status: criteria provided, single submitter. Criteria: Invitae Variant Classification Sherloc (09022015). Collection method: clinical testing. Allele origin: germline.
Comment: In summary, the available evidence is currently insufficient to determine the role of this variant in disease. Therefore, it has been classified as a Variant of Uncertain Significance. This sequence change replaces proline with arginine at codon 1092 of the BRIP1 protein (p.Pro1092Arg). The proline residue is weakly conserved and there is a moderate physicochemical difference between proline and arginine. This variant is not present in population databases (ExAC no frequency). This variant has not been reported in the literature in individuals with BRIP1-related conditions. Algorithms developed to predict the effect of missense changes on protein structure and function (SIFT, PolyPhen-2, Align-GVGD) all suggest that this variant is likely to be tolerated, but these predictions have not been confirmed by published functional studies and their clinical significance is uncertain.

NM_032043.3(BRIP1):c.3275C>G (p.Pro1092Arg)

Gene: BRIP1 (BRCA1 interacting DNA helicase 1; minus strand). Cytogenetic location: 17q23.2.
Variant type: single nucleotide variant.
Coding change: c.3275C>G on transcript NM_032043.3 (MANE Select); coding-DNA position 3275, C replaced by G.
Protein change: p.Pro1092Arg; replaces proline 1092 with arginine.
Molecular consequence: missense variant.
Genome position (GRCh38, 1-based): chr17:61,683,771, G>C on the plus strand (C>G on the coding strand, the complement: BRIP1 is on the minus strand). VCF-style: chr17-61683771-G-C. GRCh37 (hg19) VCF-style: chr17-59761132-G-C.
Other names: short protein forms P1092R.
Identifiers: ClinVar variation 1442619 (VCV001442619.9), dbSNP rs587780830, ClinGen allele CA400479076.
Genomic context (GRCh38, chr17:61,683,771, plus strand): 5'-TCTTCTTCACTTACTAGAGACAATTCAATGTCTGGATCCAGGGCTTCTTCAGAACAGAGC[G>C]GATGTTCAGAATGATTTTTTCTAGTAAGGGTGGCATCAATCTTTAATGATGAAATAATGG-3'
Protein context (NP_114432.2, residues 1082-1102): TLTRKNHSEH[Pro1092Arg]LCSEEALDPD